The following is an entry in ClinVar:

NM_001134831.2(AHI1):c.868G>A (p.Glu290Lys)

Gene: AHI1 (Abelson helper integration site 1; minus strand). Cytogenetic location: 6q23.3.
Variant type: single nucleotide variant.
Coding change: c.868G>A on transcript NM_001134831.2 (MANE Select); coding-DNA position 868, G replaced by A.
Protein change: p.Glu290Lys; replaces glutamic acid 290 with lysine.
Molecular consequence: missense variant.
Genome position (GRCh38, 1-based): chr6:135,463,188, C>T on the plus strand (G>A on the coding strand, the complement: AHI1 is on the minus strand). VCF-style: chr6-135463188-C-T. GRCh37 (hg19) VCF-style: chr6-135784326-C-T.
Other names: c.868G>A (NM_017651.4); c.868G>A, p.Glu290Lys (NM_001134830.2, NM_001134832.2, NM_001350503.2 and 2 more transcripts); short protein forms E290K.
Identifiers: ClinVar variation 1011959 (VCV001011959.7), dbSNP rs763856608, ClinGen allele CA4012739.

ClinVar aggregate classification (germline): Uncertain significance. Review status: criteria provided, multiple submitters, no conflicts (2 of 4 stars). 3 submissions from 3 submitters: Uncertain significance (3). Last evaluated 2024-08-29.

Conditions:
Joubert syndrome. Also called: JOUBERT-BOLTSHAUSER SYNDROME; Familial aplasia of the vermis. Identifiers: Orphanet 475, MedGen C5979921, MONDO:0018772.
Joubert syndrome 3 (JBTS3). Also called: AHI1-related Ciliopathy. Identifiers: Orphanet 220493, MedGen C1837713, MONDO:0012078, OMIM 608629.

Allele frequency attached by ClinVar (database versions not stated): gnomAD exomes 0.00001 and 0.00002; ExAC 0.00002; gnomAD 0.00002 and 0.00003; TOPMed 0.00002.
gnomAD v4.1: 24 of 1,608,186 alleles (0.0015%); highest among the groups gnomAD compares: Non-Finnish European, 0.002%; no homozygotes.

Submissions (3):

Blueprint Genetics
Classification: Uncertain significance. Last evaluated: 2024-08-29. Review status: criteria provided, single submitter. Criteria: ACMG Guidelines, 2015. Collection method: clinical testing. Allele origin: germline.

Labcorp Genetics (formerly Invitae), Labcorp
Classification: Uncertain significance for Joubert syndrome. Last evaluated: 2024-03-11. Review status: criteria provided, single submitter. Criteria: Invitae Variant Classification Sherloc (09022015). Collection method: clinical testing. Allele origin: germline.
Comment: This sequence change replaces glutamic acid, which is acidic and polar, with lysine, which is basic and polar, at codon 290 of the AHI1 protein (p.Glu290Lys). This variant is present in population databases (rs763856608, gnomAD 0.004%). This variant has not been reported in the literature in individuals affected with AHI1-related conditions. ClinVar contains an entry for this variant (Variation ID: 1011959). Advanced modeling of protein sequence and biophysical properties (such as structural, functional, and spatial information, amino acid conservation, physicochemical variation, residue mobility, and thermodynamic stability) performed at Invitae indicates that this missense variant is not expected to disrupt AHI1 protein function with a negative predictive value of 95%. In summary, the available evidence is currently insufficient to determine the role of this variant in disease. Therefore, it has been classified as a Variant of Uncertain Significance.

Fulgent Genetics
Classification: Uncertain significance for Joubert syndrome 3. Last evaluated: 2024-02-07. Review status: criteria provided, single submitter. Criteria: ACMG Guidelines, 2015. Collection method: clinical testing. Allele origin: germline.